The following is an entry in ClinVar:

NM_001363066.2(CLDN5):c.103T>C (p.Phe35Leu)

Gene: CLDN5 (claudin 5; minus strand). Cytogenetic location: 22q11.21.
Variant type: single nucleotide variant.
Coding change: c.103T>C on transcript NM_001363066.2 (MANE Select); coding-DNA position 103, T replaced by C.
Protein change: p.Phe35Leu; replaces phenylalanine 35 with leucine.
Molecular consequence: missense variant.
Genome position (GRCh38, 1-based): chr22:19,524,153, A>G on the plus strand (T>C on the coding strand, the complement: CLDN5 is on the minus strand). VCF-style: chr22-19524153-A-G. GRCh37 (hg19) VCF-style: chr22-19511676-A-G.
Other names: c.358T>C, p.Phe120Leu (NM_001130861.1, NM_001363067.2, NM_003277.4); short protein forms F120L, F35L.
Identifiers: ClinVar variation 3773705 (VCV003773705.2).

ClinVar aggregate classification (germline): Uncertain significance (1 of 4 stars; one submission).

Conditions:
CLDN5-associated neurodevelopmental disorder.

Submission:

Institute of Human Genetics, University of Leipzig Medical Center
Classification: Uncertain significance for CLDN5-associated neurodevelopmental disorder. Last evaluated: 2025-03-04. Review status: criteria provided, single submitter. Criteria: ACMG Guidelines, 2015. Collection method: clinical testing. Allele origin: de novo. Inheritance: Autosomal dominant inheritance. Affected: yes.
Comment: Criteria applied: PM2, PP3 , PS2_MOD

Literature cited by the submitters: PubMed 36477332.